The following is an entry in ClinVar:

ClinVar aggregate classification (germline): Uncertain significance. Review status: criteria provided, multiple submitters, no conflicts (2 of 4 stars). 2 submissions from 2 submitters: Uncertain significance (2). Last evaluated 2026-01-27.

Allele frequency attached by ClinVar (database versions not stated): ExAC 0.00006; gnomAD exomes 0.00006; gnomAD 0.00007 and 0.00009; TOPMed 0.00007; ESP Exome Variant Server 0.00015.
gnomAD v4.1: 78 of 1,613,118 alleles (0.0048%); highest among the groups gnomAD compares: Admixed American, 0.0084%; no homozygotes.

Submissions (2):

Labcorp Genetics (formerly Invitae), Labcorp
Classification: Uncertain significance. Last evaluated: 2026-01-27. Review status: criteria provided, single submitter. Criteria: Invitae Variant Classification Sherloc (09022015). Collection method: clinical testing. Allele origin: germline.
Comment: This sequence change replaces arginine, which is basic and polar, with glutamine, which is neutral and polar, at codon 826 of the TNNI3K protein (p.Arg826Gln). This variant is present in population databases (rs138299635, gnomAD 0.01%). This variant has not been reported in the literature in individuals affected with TNNI3K-related conditions. ClinVar contains an entry for this variant (Variation ID: 1480269). An algorithm developed to predict the effect of missense changes on protein structure and function outputs the following: PolyPhen-2: "Benign". The glutamine amino acid residue is found in multiple mammalian species, which suggests that this missense change does not adversely affect protein function. Algorithms developed to predict the effect of sequence changes on RNA splicing suggest that this variant may disrupt the consensus splice site. In summary, the available evidence is currently insufficient to determine the role of this variant in disease. Therefore, it has been classified as a Variant of Uncertain Significance.

Breakthrough Genomics
Classification: Uncertain significance. Review status: criteria provided, single submitter. Criteria: ACMG Guidelines, 2015. Collection method: not provided. Allele origin: germline. Inheritance: Autosomal dominant inheritance. Affected: yes.

NM_015978.3(TNNI3K):c.2477G>A (p.Arg826Gln)

Genes: FPGT-TNNI3K (FPGT-TNNI3K readthrough; plus strand), TNNI3K (TNNI3 interacting kinase; plus strand). Cytogenetic location: 1p31.1.
Variant type: single nucleotide variant.
Coding change: c.2477G>A on transcript NM_015978.3 (MANE Select); coding-DNA position 2477, G replaced by A.
Protein change: p.Arg826Gln; replaces arginine 826 with glutamine.
Molecular consequence: missense variant.
Genome position (GRCh38, 1-based): chr1:74,543,951, G>A. VCF-style: chr1-74543951-G-A. GRCh37 (hg19) VCF-style: chr1-75009635-G-A.
Other names: c.2780G>A, p.Arg927Gln (NM_001112808.3); short protein forms R826Q, R927Q.
Identifiers: ClinVar variation 1480269 (VCV001480269.7), dbSNP rs138299635, ClinGen allele CA909920.